The following is an entry in ClinVar:

ClinVar aggregate classification (germline): Pathogenic/Likely pathogenic. Review status: criteria provided, multiple submitters, no conflicts (2 of 4 stars). 3 submissions from 3 submitters: Pathogenic (2); Likely pathogenic (1). Last evaluated 2023-12-21.

Conditions:
Hereditary cancer-predisposing syndrome. Also called: Hereditary neoplastic syndrome; Neoplastic Syndromes, Hereditary; Hereditary Cancer Syndrome; Tumor predisposition. Identifiers: Orphanet 140162, MedGen C0027672, MeSH D009386, MONDO:0015356.
Lynch syndrome. Identifiers: Orphanet 144, MedGen C4552100, MONDO:0005835. Disease mechanism: loss of function.
Lynch syndrome 4 (LYNCH4). Also called: Hereditary non-polyposis colorectal cancer, type 4; Colorectal cancer, hereditary nonpolyposis, type 4. Identifiers: Orphanet 144, MedGen C1838333, MONDO:0013699, OMIM 614337. Disease mechanism: loss of function.

Submissions (3):

Myriad Genetics, Inc.
Classification: Pathogenic for Lynch syndrome 4. Last evaluated: 2023-12-21. Review status: criteria provided, single submitter. Criteria: Myriad Autosomal Dominant, Autosomal Recessive and X-Linked Classification Criteria (2023). Collection method: clinical testing. Allele origin: unknown.
Comment: This variant is considered pathogenic. This variant creates a frameshift predicted to result in premature protein truncation.

Color Diagnostics, LLC DBA Color Health
Classification: Pathogenic for Hereditary cancer-predisposing syndrome. Last evaluated: 2020-01-15. Review status: criteria provided, single submitter. Criteria: ACMG Guidelines, 2015. Collection method: clinical testing. Allele origin: germline.
Comment: This variant inserts 1 nucleotide in exon 11 of the PMS2 gene, creating a frameshift and premature translation stop signal. This variant is expected to result in an absent or non-functional protein product. This variant has not been identified in the general population by the Genome Aggregation Database (gnomAD). Loss of PMS2 function is a known mechanism of disease. Based on the available evidence, this variant is classified as Pathogenic.

Genetics and Molecular Pathology, SA Pathology
Classification: Likely pathogenic for Lynch syndrome. Last evaluated: 2019-07-31. Review status: criteria provided, single submitter. Criteria: ACMG Guidelines, 2015. Collection method: clinical testing. Allele origin: germline. Inheritance: Autosomal dominant inheritance. Affected: yes.

NM_000535.7(PMS2):c.1639dup (p.Ser547fs)

Gene: PMS2 (PMS1 homolog 2, mismatch repair system component; minus strand). Cytogenetic location: 7p22.1.
Variant type: Duplication.
Coding change: c.1639dup on transcript NM_000535.7 (MANE Select); coding-DNA position 1639, one base duplicated (T; older notation c.1639dupT).
Protein change: p.Ser547fs; shifts the reading frame from serine 547.
Molecular consequence: frameshift variant. On other transcripts: non-coding transcript variant (1).
Genome position (GRCh38, 1-based): chr7:5,987,126, A duplicated on the plus strand (T on the coding strand, the reverse complement: PMS2 is on the minus strand); the first of 5 consecutive A bases (chr7:5,987,126-5,987,130); duplicating any one gives the same sequence. VCF-style (leftmost placement, unchanged base first): chr7-5987125-G-GA. GRCh37 (hg19) VCF-style: chr7-6026756-G-GA.
Other names: c.1639dup (NM_000535.6); c.1321dup, p.Ser441fs (NM_001322008.2, NM_001322007.2); c.1234dup, p.Ser412fs (NM_001322009.2, NM_001322003.2, NM_001322004.2 and 1 more transcripts); c.1078dup, p.Ser360fs (NM_001322010.2); c.706dup, p.Ser236fs (NM_001322011.2, NM_001322012.2); c.1066dup, p.Ser356fs (NM_001322013.2); c.1639dup, p.Ser547fs (NM_001322014.2); c.1330dup, p.Ser444fs (NM_001322015.2); and 1 more; short protein forms S441fs, S360fs, S412fs, S495fs, S547fs, S356fs, S444fs, S236fs.
Identifiers: ClinVar variation 628449 (VCV000628449.8), dbSNP rs863224498, ClinGen allele CA913188231.